The following is an entry in ClinVar:

NM_006231.4(POLE):c.975G>T (p.Lys325Asn)

Gene: POLE (DNA polymerase epsilon, catalytic subunit; minus strand). Cytogenetic location: 12q24.33.
Variant type: single nucleotide variant.
Coding change: c.975G>T on transcript NM_006231.4 (MANE Select); coding-DNA position 975, G replaced by T.
Protein change: p.Lys325Asn; replaces lysine 325 with asparagine.
Molecular consequence: missense variant.
Genome position (GRCh38, 1-based): chr12:132,676,139, C>A on the plus strand (G>T on the coding strand, the complement: POLE is on the minus strand). VCF-style: chr12-132676139-C-A. GRCh37 (hg19) VCF-style: chr12-133252725-C-A.
Other names: short protein forms K325N.
Identifiers: ClinVar variation 4743243 (VCV004743243.1).
Genomic context (GRCh38, chr12:132,676,139, plus strand): 5'-GTGATACCTCCTTACCTCATCGGGTTCATTGAAGACACAAAAGGGGCCTTCATATTCTGG[C>A]TTGGGGGTGAACTCAAAATCTTCAATATCTTCTGAAACAATCTCCCTGTTGGTGATGAGG-3'
Protein context (NP_006222.2, residues 315-335): EDIEDFEFTP[Lys325Asn]PEYEGPFCVF

ClinVar aggregate classification (germline): Uncertain significance (1 of 4 stars; one submission).

Submission:

Labcorp Genetics (formerly Invitae), Labcorp
Classification: Uncertain significance. Last evaluated: 2025-08-20. Review status: criteria provided, single submitter. Criteria: Invitae Variant Classification Sherloc (09022015). Collection method: clinical testing. Allele origin: germline.
Comment: This sequence change replaces lysine, which is basic and polar, with asparagine, which is neutral and polar, at codon 325 of the POLE protein (p.Lys325Asn). This variant is not present in population databases (gnomAD no frequency). This variant has not been reported in the literature in individuals affected with POLE-related conditions. Invitae Evidence Modeling of protein sequence and biophysical properties (such as structural, functional, and spatial information, amino acid conservation, physicochemical variation, residue mobility, and thermodynamic stability) indicates that this missense variant is not expected to disrupt POLE protein function with a negative predictive value of 80%. In summary, the available evidence is currently insufficient to determine the role of this variant in disease. Therefore, it has been classified as a Variant of Uncertain Significance.